The following is an entry in ClinVar:

ClinVar aggregate classification (germline): Uncertain significance. Review status: criteria provided, multiple submitters, no conflicts (2 of 4 stars). 3 submissions from 3 submitters: Uncertain significance (3). Last evaluated 2025-11-04.

Conditions:
Dyskeratosis congenita. Identifiers: Orphanet 1775, MedGen C0265965, MONDO:0015780.
Cerebroretinal microangiopathy with calcifications and cysts 1 (CRMCC1). Identifiers: Orphanet 313838, MedGen C4552029, MONDO:0024564, OMIM 612199.

Allele frequency attached by ClinVar (database versions not stated): gnomAD 0.00002; TOPMed 0.00002.
gnomAD v4.1: 17 of 1,613,308 alleles (0.0011%); highest among the groups gnomAD compares: South Asian, 0.0033%; no homozygotes.

Submissions (3):

Labcorp Genetics (formerly Invitae), Labcorp
Classification: Uncertain significance for Dyskeratosis congenita. Last evaluated: 2025-11-04. Review status: criteria provided, single submitter. Criteria: Invitae Variant Classification Sherloc (09022015). Collection method: clinical testing. Allele origin: germline.
Comment: This sequence change replaces aspartic acid, which is acidic and polar, with asparagine, which is neutral and polar, at codon 791 of the CTC1 protein (p.Asp791Asn). This variant is present in population databases (rs754090012, gnomAD 0.003%). This variant has not been reported in the literature in individuals affected with CTC1-related conditions. ClinVar contains an entry for this variant (Variation ID: 892374). Invitae Evidence Modeling of protein sequence and biophysical properties (such as structural, functional, and spatial information, amino acid conservation, physicochemical variation, residue mobility, and thermodynamic stability) indicates that this missense variant is not expected to disrupt CTC1 protein function with a negative predictive value of 80%. In summary, the available evidence is currently insufficient to determine the role of this variant in disease. Therefore, it has been classified as a Variant of Uncertain Significance.

Genome-Nilou Lab
Classification: Uncertain significance for Cerebroretinal microangiopathy with calcifications and cysts 1. Last evaluated: 2021-07-15. Review status: criteria provided, single submitter. Criteria: ACMG Guidelines, 2015. Collection method: clinical testing. Allele origin: germline. Affected: no.

Illumina Laboratory Services, Illumina
Classification: Uncertain significance for Dyskeratosis congenita. Last evaluated: 2018-01-13. Review status: criteria provided, single submitter. Criteria: ICSL Variant Classification Criteria 13 December 2019. Collection method: clinical testing. Allele origin: germline.

NM_025099.6(CTC1):c.2371G>A (p.Asp791Asn)

Gene: CTC1 (CST telomere replication complex component 1; minus strand). Cytogenetic location: 17p13.1.
Variant type: single nucleotide variant.
Coding change: c.2371G>A on transcript NM_025099.6 (MANE Select); coding-DNA position 2371, G replaced by A.
Protein change: p.Asp791Asn; replaces aspartic acid 791 with asparagine.
Molecular consequence: missense variant. On other transcripts: non-coding transcript variant (1).
Genome position (GRCh38, 1-based): chr17:8,231,917, C>T on the plus strand (G>A on the coding strand, the complement: CTC1 is on the minus strand). VCF-style: chr17-8231917-C-T. GRCh37 (hg19) VCF-style: chr17-8135235-C-T.
Other names: short protein forms D791N.
Identifiers: ClinVar variation 892374 (VCV000892374.15), dbSNP rs754090012, ClinGen allele CA8372113.
Genomic context (GRCh38, chr17:8,231,917, plus strand): 5'-GCTCAGGGCGCAGGTCAGGTCCTGGGTCCCTGGAGTCCCAGTTTACCTTCTGATCATTGT[C>T]GTCATTTCCCTGGGGCTCGGGCAGCCCCCATCCAGTACCCTCCTTCCTCTGGGTGCCCCC-3'
Protein context (NP_079375.3, residues 781-801): WGLPEPQGND[Asp791Asn]NDQKVHLIFF